The following is an entry in ClinVar:

NM_000083.3(CLCN1):c.2941G>A (p.Glu981Lys)

Gene: CLCN1 (chloride voltage-gated channel 1; plus strand). Cytogenetic location: 7q34.
Variant type: single nucleotide variant.
Coding change: c.2941G>A on transcript NM_000083.3 (MANE Select); coding-DNA position 2941, G replaced by A.
Protein change: p.Glu981Lys; replaces glutamic acid 981 with lysine.
Molecular consequence: missense variant. On other transcripts: non-coding transcript variant (1).
Genome position (GRCh38, 1-based): chr7:143,351,939, G>A. VCF-style: chr7-143351939-G-A. GRCh37 (hg19) VCF-style: chr7-143049032-G-A.
Other names: c.2941G>A (NM_000083.2); short protein forms E981K.
Identifiers: ClinVar variation 1052566 (VCV001052566.8), dbSNP rs1586524391, ClinGen allele CA369654285.

ClinVar aggregate classification (germline): Uncertain significance. Review status: criteria provided, multiple submitters, no conflicts (2 of 4 stars). 2 submissions from 2 submitters: Uncertain significance (2). Last evaluated 2025-08-10.

Conditions:
Congenital myotonia, autosomal dominant form (THD). Also called: THOMSEN DISEASE; Myotonia congenita autosomal dominant. Identifiers: Orphanet 614, MedGen C2936781, MONDO:0008055, OMIM 160800.
Congenital myotonia, autosomal recessive form. Also called: Becker Generalized Myotonia; myotonia congenita, autosomal recessive; BECKER DISEASE. Identifiers: Orphanet 614, MedGen C0751360, MONDO:0009715, OMIM 255700.
Inborn genetic diseases. Identifiers: MedGen C0950123, MeSH D030342.

Allele frequency attached by ClinVar (database versions not stated): TOPMed below 0.00001; gnomAD exomes 0.00001.
gnomAD v4.1: 7 of 1,613,152 alleles (0.00043%); highest among the groups gnomAD compares: Non-Finnish European, 0.00059%; no homozygotes.

Submissions (2):

Ambry Genetics
Classification: Uncertain significance for Inborn genetic diseases. Last evaluated: 2025-08-10. Review status: criteria provided, single submitter. Criteria: Ambry Variant Classification Scheme 2023. Collection method: clinical testing. Allele origin: germline.

Labcorp Genetics (formerly Invitae), Labcorp
Classification: Uncertain significance for Congenital myotonia, autosomal recessive form; Congenital myotonia, autosomal dominant form. Last evaluated: 2020-01-23. Review status: criteria provided, single submitter. Criteria: Invitae Variant Classification Sherloc (09022015). Collection method: clinical testing. Allele origin: germline.
Comment: In summary, the available evidence is currently insufficient to determine the role of this variant in disease. Therefore, it has been classified as a Variant of Uncertain Significance. Algorithms developed to predict the effect of missense changes on protein structure and function are either unavailable or do not agree on the potential impact of this missense change (SIFT: "Tolerated"; PolyPhen-2: "Probably Damaging"; Align-GVGD: "Class C0"). This variant has not been reported in the literature in individuals with CLCN1-related conditions. This variant is not present in population databases (ExAC no frequency). This sequence change replaces glutamic acid with lysine at codon 981 of the CLCN1 protein (p.Glu981Lys). The glutamic acid residue is moderately conserved and there is a small physicochemical difference between glutamic acid and lysine.